The following is an entry in ClinVar:

NM_000414.4(HSD17B4):c.2127C>G (p.Phe709Leu)

Gene: HSD17B4 (hydroxysteroid 17-beta dehydrogenase 4; plus strand). Cytogenetic location: 5q23.1.
Variant type: single nucleotide variant.
Coding change: c.2127C>G on transcript NM_000414.4 (MANE Select); coding-DNA position 2127, C replaced by G.
Protein change: p.Phe709Leu; replaces phenylalanine 709 with leucine.
Molecular consequence: missense variant. On other transcripts: non-coding transcript variant (2).
Genome position (GRCh38, 1-based): chr5:119,541,910, C>G. VCF-style: chr5-119541910-C-G. GRCh37 (hg19) VCF-style: chr5-118877605-C-G.
Other names: c.2202C>G, p.Phe734Leu (NM_001199291.3); c.2073C>G, p.Phe691Leu (NM_001199292.2); c.2055C>G, p.Phe685Leu (NM_001292027.2, NM_001374498.1); c.1707C>G, p.Phe569Leu (NM_001292028.2); c.2118C>G, p.Phe706Leu (NM_001374497.1); c.1800C>G, p.Phe600Leu (NM_001374499.1); c.1686C>G, p.Phe562Leu (NM_001374500.1); c.1716C>G, p.Phe572Leu (NM_001374501.1, NM_001374502.1, NM_001374503.1); short protein forms F572L, F706L, F734L, F691L, F569L, F709L, F562L, F600L.
Identifiers: ClinVar variation 1381705 (VCV001381705.6), dbSNP rs541911825, ClinGen allele CA3382531.

ClinVar aggregate classification (germline): Uncertain significance (1 of 4 stars; one submission).

Conditions:
Perrault syndrome. Also called: Gonadal dysgenesis with auditory dysfunction, autosomal recessive inheritance. Identifiers: Orphanet 2855, MedGen C0685838, MONDO:0017312.
Bifunctional peroxisomal enzyme deficiency (DBIF). Also called: DBP DEFICIENCY; PBFE DEFICIENCY; D-bifunctional protein deficiency. Identifiers: Orphanet 300, MedGen C0342870, MONDO:0009855, OMIM 261515. Disease mechanism: loss of function.

Allele frequency attached by ClinVar (database versions not stated): gnomAD exomes below 0.00001; ExAC 0.00001; gnomAD 0.00001; 1000 Genomes Project 30x 0.00016; 1000 Genomes Project 0.00020.
gnomAD v4.1: 3 of 1,607,376 alleles (0.00019%); highest among the groups gnomAD compares: South Asian, 0.0033%; no homozygotes.

Submission:

Labcorp Genetics (formerly Invitae), Labcorp
Classification: Uncertain significance for Perrault syndrome; Bifunctional peroxisomal enzyme deficiency. Last evaluated: 2022-11-08. Review status: criteria provided, single submitter. Criteria: Invitae Variant Classification Sherloc (09022015). Collection method: clinical testing. Allele origin: germline.
Comment: In summary, the available evidence is currently insufficient to determine the role of this variant in disease. Therefore, it has been classified as a Variant of Uncertain Significance. Advanced modeling of protein sequence and biophysical properties (such as structural, functional, and spatial information, amino acid conservation, physicochemical variation, residue mobility, and thermodynamic stability) performed at Invitae indicates that this missense variant is not expected to disrupt HSD17B4 protein function. ClinVar contains an entry for this variant (Variation ID: 1381705). This variant has not been reported in the literature in individuals affected with HSD17B4-related conditions. This variant is present in population databases (rs541911825, gnomAD 0.003%). This sequence change replaces phenylalanine, which is neutral and non-polar, with leucine, which is neutral and non-polar, at codon 709 of the HSD17B4 protein (p.Phe709Leu).